The following is an entry in ClinVar:

NM_004082.5(DCTN1):c.2525A>T (p.Gln842Leu)

Gene: DCTN1 (dynactin subunit 1; minus strand). Cytogenetic location: 2p13.1.
Variant type: single nucleotide variant.
Coding change: c.2525A>T on transcript NM_004082.5 (MANE Select); coding-DNA position 2525, A replaced by T.
Protein change: p.Gln842Leu; replaces glutamine 842 with leucine.
Molecular consequence: missense variant. On other transcripts: non-coding transcript variant (1).
Genome position (GRCh38, 1-based): chr2:74,366,562, T>A on the plus strand (A>T on the coding strand, the complement: DCTN1 is on the minus strand). VCF-style: chr2-74366562-T-A. GRCh37 (hg19) VCF-style: chr2-74593689-T-A.
Other names: c.2465A>T, p.Gln822Leu (NM_001135040.3); c.2123A>T, p.Gln708Leu (NM_001135041.3, NM_023019.4); c.2414A>T, p.Gln805Leu (NM_001190836.2); c.2504A>T, p.Gln835Leu (NM_001190837.2); c.2474A>T, p.Gln825Leu (NM_001378991.1); c.2456A>T, p.Gln819Leu (NM_001378992.1); short protein forms Q842L, Q708L, Q805L, Q819L, Q822L, Q825L, Q835L.
Identifiers: ClinVar variation 4783536 (VCV004783536.1).

ClinVar aggregate classification (germline): Uncertain significance (1 of 4 stars; one submission).

Conditions:
Amyotrophic lateral sclerosis type 1 (ALS1). Also called: AMYOTROPHIC LATERAL SCLEROSIS 1, FAMILIAL. Identifiers: Orphanet 803, MedGen C1862939, MONDO:0007103, OMIM 105400.
Neuronopathy, distal hereditary motor, type 7B. Also called: NEURONOPATHY, DISTAL HEREDITARY MOTOR, AUTOSOMAL DOMINANT 14; NEURONOPATHY, DISTAL HEREDITARY MOTOR, HARDING TYPE VIIB; NEUROPATHY, DISTAL HEREDITARY MOTOR, HARDING TYPE VIIB; NEUROPATHY, DISTAL HEREDITARY MOTOR, WITH VOCAL CORD PARALYSIS, HARDING TYPE VIIB; Distal Hereditary Motor Neuronopathy Type 7B (dHMN7B); HMN VIIB. Identifiers: Orphanet 139589, MedGen C1843315, MONDO:0011879, OMIM 607641.
Perry syndrome. Also called: PARKINSONISM WITH ALVEOLAR HYPOVENTILATION AND MENTAL DEPRESSION. Identifiers: Orphanet 178509, MedGen C1868594, MONDO:0008201, OMIM 168605.

Submission:

Labcorp Genetics (formerly Invitae), Labcorp
Classification: Uncertain significance for Amyotrophic lateral sclerosis type 1; Neuronopathy, distal hereditary motor, type 7B; Perry syndrome. Last evaluated: 2026-01-28. Review status: criteria provided, single submitter. Criteria: Invitae Variant Classification Sherloc (09022015). Collection method: clinical testing. Allele origin: germline.
Comment: This sequence change replaces glutamine, which is neutral and polar, with leucine, which is neutral and non-polar, at codon 842 of the DCTN1 protein (p.Gln842Leu). This variant is not present in population databases (gnomAD no frequency). This variant has not been reported in the literature in individuals affected with DCTN1-related conditions. Invitae Evidence Modeling of protein sequence and biophysical properties (such as structural, functional, and spatial information, amino acid conservation, physicochemical variation, residue mobility, and thermodynamic stability) indicates that this missense variant is not expected to disrupt DCTN1 protein function with a negative predictive value of 95%. In summary, the available evidence is currently insufficient to determine the role of this variant in disease. Therefore, it has been classified as a Variant of Uncertain Significance.